The following is an entry in ClinVar:

NM_000302.4(PLOD1):c.467-2del

Gene: PLOD1 (procollagen-lysine,2-oxoglutarate 5-dioxygenase 1; plus strand). Cytogenetic location: 1p36.22.
Variant type: Deletion.
Coding change: c.467-2del on transcript NM_000302.4 (MANE Select); the canonical splice acceptor site of the intron before coding-DNA position 467, one base deleted (A; older notation c.467-2delA).
Molecular consequence: splice acceptor variant.
Genome position (GRCh38, 1-based): chr1:11,952,621, A deleted. VCF-style (leftmost placement, unchanged base first): chr1-11952620-CA-C. GRCh37 (hg19) VCF-style: chr1-12012677-CA-C.
Other names: c.608-2del (NM_001316320.2); c.467-2delA (NM_000302.3).
Identifiers: ClinVar variation 1377914 (VCV001377914.7), dbSNP rs1440249864, ClinGen allele CA521200044.

ClinVar aggregate classification (germline): Pathogenic/Likely pathogenic. Review status: criteria provided, multiple submitters, no conflicts (2 of 4 stars). 2 submissions from 2 submitters: Pathogenic (1); Likely pathogenic (1). Last evaluated 2024-06-05.

Conditions:
Ehlers-Danlos syndrome, kyphoscoliotic type 1 (EDSKSCL1). Also called: EHLERS-DANLOS SYNDROME, OCULAR-SCOLIOTIC TYPE; PLOD1-Related Kyphoscoliotic Ehlers-Danlos Syndrome; Ehlers-Danlos syndrome, hydroxylysine-deficient; EHLERS-DANLOS SYNDROME, TYPE VIA. Identifiers: Orphanet 1900, MedGen C0268342, MONDO:0016002, OMIM 225400. Disease mechanism: loss of function.
Familial thoracic aortic aneurysm and aortic dissection (TAAD). Also called: Thoracic aortic aneurysms and dissections. Identifiers: Orphanet 91387, MedGen C4707243, MONDO:0019625.

Allele frequency attached by ClinVar (database versions not stated): gnomAD exomes below 0.00001 and 0.00004; TOPMed below 0.00001; gnomAD 0.00001.

Submissions (2):

Ambry Genetics
Classification: Likely pathogenic for Familial thoracic aortic aneurysm and aortic dissection. Last evaluated: 2024-06-05. Review status: criteria provided, single submitter. Criteria: Ambry Variant Classification Scheme 2023. Collection method: clinical testing. Allele origin: germline.
Comment: The c.467-2delA intronic variant, results from a deletion of one nucleotide at c.467-2, and involves the canonical splice acceptor site before coding exon 5 of the PLOD1 gene. This variant has been identified in trans with a second PLOD1 variant in an individual with features consistent with PLOD1-related kyphoscoliotic Ehlers-Danlos syndrome, and RNA studies of this variant demonstrated aberrant splicing (Heikkinen J et al. Hum Mutat, 1999 Oct;14:351). This variant is considered to be rare based on population cohorts in the Genome Aggregation Database (gnomAD). The canonical splice acceptor site is highly conserved in available vertebrate species. In silico splice site analysis predicts that this alteration will weaken the native splice acceptor site and will result in the creation or strengthening of a novel splice acceptor site. In addition to the clinical data presented in the literature, alterations that disrupt the canonical splice site are expected to cause aberrant splicing, resulting in an abnormal protein or a transcript that is subject to nonsense-mediated mRNA decay. As such, this alteration is classified as likely pathogenic.

Labcorp Genetics (formerly Invitae), Labcorp
Classification: Pathogenic for Ehlers-Danlos syndrome, kyphoscoliotic type 1. Last evaluated: 2024-01-10. Review status: criteria provided, single submitter. Criteria: Invitae Variant Classification Sherloc (09022015). Collection method: clinical testing. Allele origin: germline.
Comment: This sequence change affects a splice site in intron 4 of the PLOD1 gene. It is expected to disrupt RNA splicing. Variants that disrupt the donor or acceptor splice site typically lead to a loss of protein function (PMID: 16199547), and loss-of-function variants in PLOD1 are known to be pathogenic (PMID: 10874315, 21699693). This variant is present in population databases (no rsID available, gnomAD 0.0009%). Disruption of this splice site has been observed in individual(s) with Ehlers-Danlos syndrome, kyphoscoliotic form (PMID: 10502784). In at least one individual the data is consistent with being in trans (on the opposite chromosome) from a pathogenic variant. ClinVar contains an entry for this variant (Variation ID: 1377914). Studies have shown that disruption of this splice site alters PLOD1 gene expression (PMID: 10502784). Algorithms developed to predict the effect of sequence changes on RNA splicing suggest that this variant may disrupt the consensus splice site. For these reasons, this variant has been classified as Pathogenic.

Literature cited by the submitters: PubMed 16199547 (cited by Labcorp Genetics (formerly Invitae), Labcorp); PubMed 10874315 (cited by Labcorp Genetics (formerly Invitae), Labcorp); PubMed 21699693 (cited by Labcorp Genetics (formerly Invitae), Labcorp); PubMed 10502784 (cited by Labcorp Genetics (formerly Invitae), Labcorp).